The following is an entry in ClinVar:

ClinVar aggregate classification (germline): Conflicting classifications of pathogenicity. Review status: criteria provided, conflicting classifications (1 of 4 stars). 2 submissions from 2 submitters: Uncertain significance (1); Likely benign (1). Last evaluated 2025-04-19.

Conditions:
Emery-Dreifuss muscular dystrophy 5, autosomal dominant (EDMD5). Also called: EMERY-DREIFUSS MUSCULAR DYSTROPHY 5. Identifiers: Orphanet 261, MedGen C2751805, MONDO:0013072, OMIM 612999.

Allele frequency attached by ClinVar (database versions not stated): TOPMed 0.00001; gnomAD 0.00003; gnomAD exomes 0.00003; ExAC 0.00005.
gnomAD v4.1: 45 of 1,612,742 alleles (0.0028%); highest among the groups gnomAD compares: Middle Eastern, 0.034%; no homozygotes.

Submissions (2):

Ambry Genetics
Classification: Likely benign. Last evaluated: 2025-04-19. Review status: criteria provided, single submitter. Criteria: Ambry Variant Classification Scheme 2023. Collection method: clinical testing. Allele origin: germline.

Labcorp Genetics (formerly Invitae), Labcorp
Classification: Uncertain significance for Emery-Dreifuss muscular dystrophy 5, autosomal dominant. Last evaluated: 2022-10-21. Review status: criteria provided, single submitter. Criteria: Invitae Variant Classification Sherloc (09022015). Collection method: clinical testing. Allele origin: germline.
Comment: Algorithms developed to predict the effect of missense changes on protein structure and function output the following: SIFT: "Tolerated"; PolyPhen-2: "Benign"; Align-GVGD: "Class C0". The serine amino acid residue is found in multiple mammalian species, which suggests that this missense change does not adversely affect protein function. In summary, the available evidence is currently insufficient to determine the role of this variant in disease. Therefore, it has been classified as a Variant of Uncertain Significance. This variant has not been reported in the literature in individuals affected with SYNE2-related conditions. This variant is present in population databases (rs770123186, gnomAD 0.03%). This sequence change replaces proline, which is neutral and non-polar, with serine, which is neutral and polar, at codon 6799 of the SYNE2 protein (p.Pro6799Ser).

NM_182914.3(SYNE2):c.20395C>T (p.Pro6799Ser)

Gene: SYNE2 (spectrin repeat containing nuclear envelope protein 2; plus strand). Cytogenetic location: 14q23.2.
Variant type: single nucleotide variant.
Coding change: c.20395C>T on transcript NM_182914.3 (MANE Select); coding-DNA position 20395, C replaced by T.
Protein change: p.Pro6799Ser; replaces proline 6799 with serine.
Molecular consequence: missense variant.
Genome position (GRCh38, 1-based): chr14:64,224,473, C>T. VCF-style: chr14-64224473-C-T. GRCh37 (hg19) VCF-style: chr14-64691191-C-T.
Other names: c.20395C>T (NM_182914.2); c.20326C>T, p.Pro6776Ser (NM_015180.6); c.961C>T, p.Pro321Ser (NM_182910.2); c.1339C>T, p.Pro447Ser (NM_182913.4); short protein forms P321S, P6776S, P447S, P6799S.
Identifiers: ClinVar variation 2053153 (VCV002053153.5), dbSNP rs770123186, ClinGen allele CA7224851.